The following is an entry in ClinVar:

NM_001290060.2(SEMA3B):c.241G>T (p.Asp81Tyr)

Gene: SEMA3B (semaphorin 3B; plus strand). Cytogenetic location: 3p21.31.
Variant type: single nucleotide variant.
Coding change: c.241G>T on transcript NM_001290060.2 (MANE Select); coding-DNA position 241, G replaced by T.
Protein change: p.Asp81Tyr; replaces aspartic acid 81 with tyrosine.
Molecular consequence: missense variant.
Genome position (GRCh38, 1-based): chr3:50,270,258, G>T. VCF-style: chr3-50270258-G-T. GRCh37 (hg19) VCF-style: chr3-50307689-G-T.
Other names: c.241G>T, p.Asp81Tyr (NM_001005914.3, NM_001290061.1, NM_001435956.1 and 3 more transcripts); short protein forms D81Y.
Identifiers: ClinVar variation 4995227 (VCV004995227.1).

ClinVar aggregate classification (germline): Uncertain significance (1 of 4 stars; one submission).

Conditions:
SEMA3B-related disorder. Also called: SEMA3B-related condition.

Submission:

PreventionGenetics, part of Exact Sciences
Classification: Uncertain significance for SEMA3B-related condition. Last evaluated: 2026-07-15. Review status: criteria provided, single submitter. Criteria: ACMG Guidelines, 2015. Collection method: clinical testing. Allele origin: germline.
Comment: The SEMA3B c.241G>T variant is predicted to result in the amino acid substitution p.Asp81Tyr. To our knowledge, this variant has not been reported in the literature or in a large population database (gnomAD), indicating this variant is rare. At this time, the clinical significance of this variant is uncertain due to the absence of conclusive functional and genetic evidence.